The following is an entry in ClinVar:

ClinVar aggregate classification (germline): Pathogenic (1 of 4 stars; one submission).

Conditions:
Breast-ovarian cancer, familial, susceptibility to, 1 (BROVCA1). Also called: BRCA1 Hereditary Breast and Ovarian Cancer; OVARIAN CANCER, SUSCEPTIBILITY TO. Identifiers: Orphanet 145, MedGen C2676676, MONDO:0011450, OMIM 604370. Disease mechanism: loss of function.

Submission:

Myriad Genetics, Inc.
Classification: Pathogenic for Breast-ovarian cancer, familial, susceptibility to, 1. Last evaluated: 2024-04-15. Review status: criteria provided, single submitter. Criteria: Myriad Autosomal Dominant, Autosomal Recessive and X-Linked Classification Criteria (2023). Collection method: clinical testing. Allele origin: unknown.
Comment: This variant is considered pathogenic. This variant creates a frameshift predicted to result in premature protein truncation.

NM_007294.4(BRCA1):c.881_884del (p.Lys294fs)

Gene: BRCA1 (BRCA1 DNA repair associated; minus strand). Cytogenetic location: 17q21.31.
Variant type: Deletion.
Coding change: c.881_884del on transcript NM_007294.4 (MANE Select); coding-DNA positions 881 to 884, 4 bases deleted (AAGA; older notation c.881_884delAAGA).
Protein change: p.Lys294fs; shifts the reading frame from lysine 294.
Molecular consequence: frameshift variant. On other transcripts: 5 prime UTR variant (2), intron variant (137).
Genome position (GRCh38, 1-based): chr17:43,094,647-43,094,650, TCTT deleted on the plus strand (AAGA on the coding strand, the reverse complement: BRCA1 is on the minus strand); deleting any 4 consecutive bases within chr17:43,094,647-43,094,651 gives the same sequence; the c. name uses the placement nearest the transcript's 3' end. VCF-style (leftmost placement, unchanged base first): chr17-43094646-GTCTT-G. GRCh37 (hg19) VCF-style: chr17-41246663-GTCTT-G.
Other names: c.668_671del, p.Lys223fs (NM_001407571.1, NM_001407915.1, NM_001407916.1 and 9 more transcripts); c.881_884del, p.Lys294fs (NM_001407581.1, NM_001407582.1, NM_001407583.1 and 30 more transcripts); c.878_881del, p.Lys293fs (NM_001407587.1, NM_001407590.1, NM_001407591.1 and 22 more transcripts); c.671_674del, p.Lys224fs (NM_001407909.1, NM_001407910.1, NM_001407900.1 and 13 more transcripts); c.758_761del, p.Lys253fs (NM_001407919.1, NM_001407937.1, NM_001407938.1 and 19 more transcripts); c.617_620del, p.Lys206fs (NM_001407920.1, NM_001407933.1, NM_001407935.1 and 9 more transcripts); c.614_617del, p.Lys205fs (NM_001407931.1, NM_001407932.1, NM_001407934.1 and 2 more transcripts); c.548_551del, p.Lys183fs (NM_001407949.1, NM_001407950.1, NM_001407951.1 and 6 more transcripts); and 40 more; short protein forms K126fs, K166fs, K167fs, K182fs, K183fs, K205fs, K206fs, K223fs.
Identifiers: ClinVar variation 3254367 (VCV003254367.1), dbSNP rs2552227815.
Genomic context (GRCh38, chr17:43,094,646, plus strand): 5'-CCTTGCTAAGCCAGGCTGTTTGCTTTTATTACAGAATTCAGCCTTTTCTACATTCATTCT[GTCTT>G]TAGTGAGTAATAAACTGCTGTTCTCATGCTGTAATGAGCTGGCATGAGTATTTGTGCCAC-3'